The following is an entry in ClinVar:

ClinVar aggregate classification (germline): Uncertain significance (1 of 4 stars; one submission).

gnomAD v4.1: 1 of 1,614,136 alleles (0.000062%); no homozygotes.

Submission:

Labcorp Genetics (formerly Invitae), Labcorp
Classification: Uncertain significance. Last evaluated: 2023-05-08. Review status: criteria provided, single submitter. Criteria: Invitae Variant Classification Sherloc (09022015). Collection method: clinical testing. Allele origin: germline.
Comment: This variant is not present in population databases (gnomAD no frequency). In summary, the available evidence is currently insufficient to determine the role of this variant in disease. Therefore, it has been classified as a Variant of Uncertain Significance. Advanced modeling of protein sequence and biophysical properties (such as structural, functional, and spatial information, amino acid conservation, physicochemical variation, residue mobility, and thermodynamic stability) has been performed at Invitae for this missense variant, however the output from this modeling did not meet the statistical confidence thresholds required to predict the impact of this variant on TBCK protein function. ClinVar contains an entry for this variant (Variation ID: 2093382). This variant has not been reported in the literature in individuals affected with TBCK-related conditions. This sequence change replaces phenylalanine, which is neutral and non-polar, with valine, which is neutral and non-polar, at codon 14 of the TBCK protein (p.Phe14Val).

NM_001163435.3(TBCK):c.40T>G (p.Phe14Val)

Gene: TBCK (TBC1 domain containing kinase; minus strand). Cytogenetic location: 4q24.
Variant type: single nucleotide variant.
Coding change: c.40T>G on transcript NM_001163435.3 (MANE Select); coding-DNA position 40, T replaced by G.
Protein change: p.Phe14Val; replaces phenylalanine 14 with valine.
Molecular consequence: missense variant. On other transcripts: 5 prime UTR variant (1).
Genome position (GRCh38, 1-based): chr4:106,308,921, A>C on the plus strand (T>G on the coding strand, the complement: TBCK is on the minus strand). VCF-style: chr4-106308921-A-C. GRCh37 (hg19) VCF-style: chr4-107230078-A-C.
Other names: c.40T>G, p.Phe14Val (NM_001163436.4, NM_001163437.3, NM_033115.5); c.-578T>G (NM_001290768.2); short protein forms F14V.
Identifiers: ClinVar variation 2093382 (VCV002093382.4), dbSNP rs2479215707, ClinGen allele CA357974205.